The following is an entry in ClinVar:

ClinVar aggregate classification (germline): Pathogenic/Likely pathogenic. Review status: criteria provided, multiple submitters, no conflicts (2 of 4 stars). 3 submissions from 3 submitters: Pathogenic (2); Likely pathogenic (1). Last evaluated 2024-08-20.

Conditions:
AHI1-related disorder. Also called: AHI1-related condition.
Joubert syndrome 3 (JBTS3). Also called: AHI1-related Ciliopathy. Identifiers: Orphanet 220493, MedGen C1837713, MONDO:0012078, OMIM 608629.
Joubert syndrome. Also called: JOUBERT-BOLTSHAUSER SYNDROME; Familial aplasia of the vermis. Identifiers: Orphanet 475, MedGen C5979921, MONDO:0018772.

Allele frequency attached by ClinVar (database versions not stated): gnomAD exomes 0.00001; TOPMed 0.00001; 1000 Genomes Project 30x 0.00031; ExAC 0.00001; gnomAD 0.00001; 1000 Genomes Project 0.00020.

Submissions (3):

Myriad Genetics, Inc.
Classification: Pathogenic for Joubert syndrome 3. Last evaluated: 2024-08-20. Review status: criteria provided, single submitter. Criteria: Myriad Autosomal Dominant, Autosomal Recessive and X-Linked Classification Criteria (2023). Collection method: clinical testing. Allele origin: unknown.
Comment: NM_001134831.1(AHI1):c.1526T>A(L509*) is expected to be pathogenic in the context of Joubert syndrome, AHI1-related. This variant is predicted to lead to an abnormal or absent protein product due to the creation of a premature termination codon in AHI1, a gene where loss-of-function variants are known to be pathogenic. Please note: this variant was assessed in the context of healthy population screening.

Labcorp Genetics (formerly Invitae), Labcorp
Classification: Pathogenic for Joubert syndrome. Last evaluated: 2024-02-02. Review status: criteria provided, single submitter. Criteria: Invitae Variant Classification Sherloc (09022015). Collection method: clinical testing. Allele origin: germline.
Comment: This sequence change creates a premature translational stop signal (p.Leu509*) in the AHI1 gene. It is expected to result in an absent or disrupted protein product. Loss-of-function variants in AHI1 are known to be pathogenic (PMID: 15322546, 16453322, 28442542, 29186038). This variant is present in population databases (rs41288021, gnomAD 0.002%). This variant has not been reported in the literature in individuals affected with AHI1-related conditions. For these reasons, this variant has been classified as Pathogenic.

Blueprint Genetics
Classification: Likely pathogenic for AHI1-related disorders. Last evaluated: 2021-08-03. Review status: criteria provided, single submitter. Criteria: ACMG Guidelines, 2015. Collection method: clinical testing. Allele origin: germline. Affected: yes. Observed: 1 variant allele.

Literature cited by the submitters: PubMed 15322546 (cited by Labcorp Genetics (formerly Invitae), Labcorp); PubMed 16453322 (cited by Labcorp Genetics (formerly Invitae), Labcorp); PubMed 28442542 (cited by Labcorp Genetics (formerly Invitae), Labcorp); PubMed 29186038 (cited by Labcorp Genetics (formerly Invitae), Labcorp).

NM_001134831.2(AHI1):c.1526T>A (p.Leu509Ter)

Gene: AHI1 (Abelson helper integration site 1; minus strand). Cytogenetic location: 6q23.3.
Variant type: single nucleotide variant.
Coding change: c.1526T>A on transcript NM_001134831.2 (MANE Select); coding-DNA position 1526, T replaced by A.
Protein change: p.Leu509Ter; replaces leucine 509 with a stop codon.
Molecular consequence: nonsense.
Genome position (GRCh38, 1-based): chr6:135,448,390, A>T on the plus strand (T>A on the coding strand, the complement: AHI1 is on the minus strand). VCF-style: chr6-135448390-A-T. GRCh37 (hg19) VCF-style: chr6-135769528-A-T.
Other names: c.1526T>A, p.Leu509Ter (NM_001134830.2, NM_001134832.2, NM_001350503.2 and 2 more transcripts); short protein forms L509*.
Identifiers: ClinVar variation 2738937 (VCV002738937.5), dbSNP rs41288021, ClinGen allele CA4012572.